The following is an entry in ClinVar:

NM_020163.3(SEMA3G):c.276+5G>C

Gene: SEMA3G (semaphorin 3G; minus strand). Cytogenetic location: 3p21.1.
Variant type: single nucleotide variant.
Coding change: c.276+5G>C on transcript NM_020163.3 (MANE Select); 5 bases into the intron after coding-DNA position 276, G replaced by C.
Molecular consequence: intron variant.
Genome position (GRCh38, 1-based): chr3:52,442,742, C>G on the plus strand (G>C on the coding strand, the complement: SEMA3G is on the minus strand). VCF-style: chr3-52442742-C-G. GRCh37 (hg19) VCF-style: chr3-52476758-C-G.
Identifiers: ClinVar variation 3356144 (VCV003356144.1).

ClinVar aggregate classification (germline): Uncertain significance (0 of 4 stars; one submission).

Conditions:
SEMA3G-related disorder. Also called: SEMA3G-related condition.

Submission:

PreventionGenetics, part of Exact Sciences
Classification: Uncertain significance for SEMA3G-related condition. Last evaluated: 2024-05-31. Review status: no assertion criteria provided. Collection method: clinical testing. Allele origin: germline.
Comment: The SEMA3G c.276+5G>C variant is predicted to interfere with splicing. To our knowledge, this variant has not been reported in the literature or in a large population database, indicating this variant is rare. At this time, the clinical significance of this variant is uncertain due to the absence of conclusive functional and genetic evidence.